The following is an entry in ClinVar:

NM_006348.5(COG5):c.1993A>G (p.Ile665Val)

Gene: COG5 (component of oligomeric golgi complex 5; minus strand). Cytogenetic location: 7q22.3.
Variant type: single nucleotide variant.
Coding change: c.1993A>G on transcript NM_006348.5 (MANE Select); coding-DNA position 1993, A replaced by G.
Protein change: p.Ile665Val; replaces isoleucine 665 with valine.
Molecular consequence: missense variant. On other transcripts: intron variant (1).
Genome position (GRCh38, 1-based): chr7:107,236,548, T>C on the plus strand (A>G on the coding strand, the complement: COG5 is on the minus strand). VCF-style: chr7-107236548-T-C. GRCh37 (hg19) VCF-style: chr7-106876993-T-C.
Other names: c.1993A>G, p.Ile665Val (NM_001161520.2, NM_001379513.1); c.1831A>G, p.Ile611Val (NM_001379511.1); c.1819A>G, p.Ile607Val (NM_001379512.1); c.1423A>G, p.Ile475Val (NM_001379515.1); c.1279A>G, p.Ile427Val (NM_001379516.1); c.1930A>G, p.Ile644Val (NM_181733.4); c.1853+11848A>G (NM_001379514.1); short protein forms I475V, I644V, I427V, I611V, I665V, I607V.
Identifiers: ClinVar variation 1465049 (VCV001465049.8), dbSNP rs1262175069, ClinGen allele CA368939517.
Genomic context (GRCh38, chr7:107,236,548, plus strand): 5'-CACCAAGAGGTCTTATGAGACTGGCATGGCGGATAAAAAGTTCAACAGCTCTTTGGGCAA[T>C]AGCCTCAGTGTTGTCAAAGACAAAATCCAAGCATTCAAAGTGTTTAAAATAGTCACTCAT-3'
Protein context (NP_006339.4, residues 655-675): LDFVFDNTEA[Ile665Val]AQRAVELFIR

ClinVar aggregate classification (germline): Uncertain significance (1 of 4 stars; one submission).

Conditions:
COG5-congenital disorder of glycosylation. Also called: CDG IIi; COG5-CDG; CONGENITAL DISORDER OF GLYCOSYLATION, TYPE IIi. Identifiers: Orphanet 263487, MedGen C3150876, MONDO:0013325, OMIM 613612.

Allele frequency attached by ClinVar (database versions not stated): gnomAD exomes below 0.00001 and 0.00001; TOPMed 0.00002.
gnomAD v4.1: 15 of 1,614,130 alleles (0.00093%); highest among the groups gnomAD compares: Admixed American, 0.0017%; no homozygotes.

Submission:

Labcorp Genetics (formerly Invitae), Labcorp
Classification: Uncertain significance for COG5-congenital disorder of glycosylation. Last evaluated: 2024-06-03. Review status: criteria provided, single submitter. Criteria: Invitae Variant Classification Sherloc (09022015). Collection method: clinical testing. Allele origin: germline.
Comment: This sequence change replaces isoleucine, which is neutral and non-polar, with valine, which is neutral and non-polar, at codon 696 of the COG5 protein (p.Ile696Val). This variant is present in population databases (no rsID available, gnomAD 0.0009%). This variant has not been reported in the literature in individuals affected with COG5-related conditions. ClinVar contains an entry for this variant (Variation ID: 1465049). An algorithm developed to predict the effect of missense changes on protein structure and function (PolyPhen-2) suggests that this variant is likely to be tolerated. In summary, the available evidence is currently insufficient to determine the role of this variant in disease. Therefore, it has been classified as a Variant of Uncertain Significance.